The following is an entry in ClinVar:

NM_001267550.2(TTN):c.77884del (p.Gln25962fs)

Genes: TTN-AS1 (TTN antisense RNA 1; plus strand), TTN (titin; minus strand). Cytogenetic location: 2q31.2.
Variant type: Deletion.
Coding change: c.77884del on transcript NM_001267550.2 (MANE Select); coding-DNA position 77884, one base deleted (C; older notation c.77884delC).
Protein change: p.Gln25962fs; shifts the reading frame from glutamine 25962.
Molecular consequence: frameshift variant.
Genome position (GRCh38, 1-based): chr2:178,568,248, G deleted on the plus strand (C on the coding strand, the reverse complement: TTN is on the minus strand); the first of 2 consecutive G bases (chr2:178,568,248-178,568,249); deleting either gives the same sequence. VCF-style (leftmost placement, unchanged base first): chr2-178568247-TG-T. GRCh37 (hg19) VCF-style: chr2-179432974-TG-T.
Other names: c.72961del, p.Gln24321fs (NM_001256850.1); c.50689del, p.Gln16897fs (NM_003319.4); c.70180del, p.Gln23394fs (NM_133378.4); c.51064del, p.Gln17022fs (NM_133432.3); c.51265del, p.Gln17089fs (NM_133437.4); c.50689delC (NM_003319.4); short protein forms Q25962fs, Q24321fs, Q16897fs, Q17089fs, Q17022fs, Q23394fs.
Identifiers: ClinVar variation 2586563 (VCV002586563.5), dbSNP rs2468355094, ClinGen allele CA2582342033.
Genomic context (GRCh38, chr2:178,568,247, plus strand): 5'-ATTGGATCAGACTCTAAGGCAAAGCTTTGTCCATATCTGTTTTCGGCAAATATTCTAAAT[TG>T]GTATTCTGTACCAGTTTTCAGTTTGGTCACTTTGAGTGTAGTTCTAGCAACAGTAGCAGA-3'

ClinVar aggregate classification (germline): Likely pathogenic. Review status: criteria provided, multiple submitters, no conflicts (2 of 4 stars). 2 submissions from 2 submitters: Likely pathogenic (2). Last evaluated 2023-08-14.

Conditions:
Dilated cardiomyopathy 1G (CMD1G). Identifiers: Orphanet 154, MedGen C1858763, MONDO:0011400, OMIM 604145.
Autosomal recessive limb-girdle muscular dystrophy type 2J (LGMDR10). Also called: Limb-girdle muscular dystrophy, type 2J; MUSCULAR DYSTROPHY, LIMB-GIRDLE, AUTOSOMAL RECESSIVE 10. Identifiers: Orphanet 140922, MedGen C1837342, MONDO:0012127, OMIM 608807.
Cardiovascular phenotype. Identifiers: MedGen CN230736.

Submissions (2):

Ambry Genetics
Classification: Likely pathogenic for Cardiovascular phenotype. Last evaluated: 2023-08-14. Review status: criteria provided, single submitter. Criteria: Ambry Variant Classification Scheme 2023. Collection method: clinical testing. Allele origin: germline.
Comment: The c.50689delC variant, located in coding exon 153 of the TTN gene, results from a deletion of one nucleotide at nucleotide position 50689, causing a translational frameshift with a predicted alternate stop codon (p.Q16897Nfs*16). This exon is located in the A-band region of the N2-B isoform of the titin protein and is constitutively expressed in TTN transcripts (percent spliced in or PSI 100%). This variant is considered to be rare based on population cohorts in the Genome Aggregation Database (gnomAD). This alteration is expected to result in loss of function by premature protein truncation or nonsense-mediated mRNA decay. While truncating variants in TTN are present in 1-3% of the general population, truncating variants in the A-band are the most common cause of dilated cardiomyopathy (DCM) (Herman DS et al. N. Engl. J. Med., 2012 Feb;366:619-28; Roberts AM et al. Sci Transl Med, 2015 Jan;7:270ra6). TTN truncating variants encoded in constitutive exons (PSI >90%) have been found to be significantly associated with DCM regardless of their position in titin (Schafer S et al. Nat. Genet., 2017 01;49:46-53). Based on the majority of available evidence to date, this variant is likely to be pathogenic.

Labcorp Genetics (formerly Invitae), Labcorp
Classification: Likely pathogenic for Dilated cardiomyopathy 1G; Autosomal recessive limb-girdle muscular dystrophy type 2J. Last evaluated: 2023-01-19. Review status: criteria provided, single submitter. Criteria: Invitae Variant Classification Sherloc (09022015). Collection method: clinical testing. Allele origin: germline.
Comment: In summary, the currently available evidence indicates that the variant is pathogenic, but additional data are needed to prove that conclusively. Therefore, this variant has been classified as Likely Pathogenic. This variant is located in the A band of TTN (PMID: 25589632). Truncating variants in this region are significantly overrepresented in patients affected with dilated cardiomyopathy (PMID: 25589632). Truncating variants in this region have also been reported in individuals affected with autosomal recessive centronuclear myopathy (PMID: 23975875). This variant has not been reported in the literature in individuals affected with TTN-related conditions. This variant is not present in population databases (gnomAD no frequency). This sequence change creates a premature translational stop signal (p.Gln25962Asnfs*16) in the TTN gene. While this is not anticipated to result in nonsense mediated decay, it is expected to create a truncated TTN protein.

Literature cited by the submitters: PubMed 25589632 (cited by Labcorp Genetics (formerly Invitae), Labcorp); PubMed 23975875 (cited by Labcorp Genetics (formerly Invitae), Labcorp).